The following is an entry in ClinVar:

NM_020297.4(ABCC9):c.1150C>G (p.Arg384Gly)

Gene: ABCC9 (ATP binding cassette subfamily C member 9; minus strand). Cytogenetic location: 12p12.1.
Variant type: single nucleotide variant.
Coding change: c.1150C>G on transcript NM_020297.4 (MANE Select); coding-DNA position 1150, C replaced by G.
Protein change: p.Arg384Gly; replaces arginine 384 with glycine.
Molecular consequence: missense variant.
Genome position (GRCh38, 1-based): chr12:21,910,840, G>C on the plus strand (C>G on the coding strand, the complement: ABCC9 is on the minus strand). VCF-style: chr12-21910840-G-C. GRCh37 (hg19) VCF-style: chr12-22063774-G-C.
Other names: c.1150C>G, p.Arg384Gly (NM_001377273.1, NM_005691.4); c.286C>G, p.Arg96Gly (NM_001377274.1); short protein forms R384G, R96G.
Identifiers: ClinVar variation 956356 (VCV000956356.7), dbSNP rs749318820, ClinGen allele CA384119294.

ClinVar aggregate classification (germline): Uncertain significance (1 of 4 stars; one submission).

Conditions:
Dilated cardiomyopathy 1O (CMD1O). Also called: CARDIOMYOPATHY, DILATED, WITH VENTRICULAR TACHYCARDIA. Identifiers: Orphanet 154, MedGen C1837839, MONDO:0012062, OMIM 608569.

gnomAD v4.1: 1 of 1,611,868 alleles (0.000062%); highest among the groups gnomAD compares: Non-Finnish European, 0.000085%; no homozygotes.

Submission:

Labcorp Genetics (formerly Invitae), Labcorp
Classification: Uncertain significance for Dilated cardiomyopathy 1O. Last evaluated: 2021-08-27. Review status: criteria provided, single submitter. Criteria: Invitae Variant Classification Sherloc (09022015). Collection method: clinical testing. Allele origin: germline.
Comment: This sequence change replaces arginine with glycine at codon 384 of the ABCC9 protein (p.Arg384Gly). The arginine residue is highly conserved and there is a moderate physicochemical difference between arginine and glycine. This variant is not present in population databases (ExAC no frequency). This variant has not been reported in the literature in individuals affected with ABCC9-related conditions. Algorithms developed to predict the effect of missense changes on protein structure and function are either unavailable or do not agree on the potential impact of this missense change (SIFT: "Deleterious"; PolyPhen-2: "Probably Damaging"; Align-GVGD: "Class C0"). In summary, the available evidence is currently insufficient to determine the role of this variant in disease. Therefore, it has been classified as a Variant of Uncertain Significance.